The following is an entry in ClinVar:

ClinVar aggregate classification (germline): Uncertain significance (1 of 4 stars; one submission).

Conditions:
Cystic fibrosis (CF). Also called: MUCOVISCIDOSIS. Identifiers: Orphanet 586, MedGen C0010674, MONDO:0009061, OMIM 219700. Disease mechanism: loss of function.

Submission:

Ambry Genetics
Classification: Uncertain significance for Cystic fibrosis. Last evaluated: 2021-12-10. Review status: criteria provided, single submitter. Criteria: Ambry Variant Classification Scheme 2023. Collection method: clinical testing. Allele origin: germline.
Comment: The p.T682K variant (also known as c.2045C>A), located in coding exon 14 of the CFTR gene, results from a C to A substitution at nucleotide position 2045. The threonine at codon 682 is replaced by lysine, an amino acid with similar properties. This amino acid position is conserved. In addition, the in silico prediction for this alteration is inconclusive. Since supporting evidence is limited at this time, the clinical significance of this alteration remains unclear.

NM_000492.4(CFTR):c.2045C>A (p.Thr682Lys)

Gene: CFTR (CF transmembrane conductance regulator; plus strand). Cytogenetic location: 7q31.2.
Variant type: single nucleotide variant.
Coding change: c.2045C>A on transcript NM_000492.4 (MANE Select); coding-DNA position 2045, C replaced by A.
Protein change: p.Thr682Lys; replaces threonine 682 with lysine.
Molecular consequence: missense variant.
Genome position (GRCh38, 1-based): chr7:117,592,212, C>A. VCF-style: chr7-117592212-C-A. GRCh37 (hg19) VCF-style: chr7-117232266-C-A.
Other names: short protein forms T682K.
Identifiers: ClinVar variation 1784955 (VCV001784955.2), dbSNP rs2485109797, ClinGen allele CA368979389.